The following is an entry in ClinVar:

ClinVar aggregate classification (germline): Uncertain significance (1 of 4 stars; one submission).

Conditions:
Gnathodiaphyseal dysplasia (GDD). Also called: GNATHODIAPHYSEAL SCLEROSIS; OSTEOGENESIS IMPERFECTA WITH UNUSUAL SKELETAL LESIONS. Identifiers: Orphanet 53697, MedGen C1833736, MONDO:0008151, OMIM 166260.
Autosomal recessive limb-girdle muscular dystrophy type 2L (LGMDR12). Also called: Limb-girdle muscular dystrophy, type 2L; MUSCULAR DYSTROPHY, LIMB-GIRDLE, AUTOSOMAL RECESSIVE 12; Limb-Girdle Muscular Dystrophy R12 Anoctamin-5-Related (LGMD-R12). Identifiers: Orphanet 206549, MedGen C1969785, MONDO:0012652, OMIM 611307.

Allele frequency attached by ClinVar (database versions not stated): gnomAD exomes below 0.00001; TOPMed 0.00003.
gnomAD v4.1: 1 of 1,611,270 alleles (0.000062%); highest among the groups gnomAD compares: Admixed American, 0.0017%; no homozygotes.

Submission:

Labcorp Genetics (formerly Invitae), Labcorp
Classification: Uncertain significance for Autosomal recessive limb-girdle muscular dystrophy type 2L; Gnathodiaphyseal dysplasia. Last evaluated: 2022-07-30. Review status: criteria provided, single submitter. Criteria: Invitae Variant Classification Sherloc (09022015). Collection method: clinical testing. Allele origin: germline.
Comment: In summary, the available evidence is currently insufficient to determine the role of this variant in disease. Therefore, it has been classified as a Variant of Uncertain Significance. Advanced modeling of protein sequence and biophysical properties (such as structural, functional, and spatial information, amino acid conservation, physicochemical variation, residue mobility, and thermodynamic stability) performed at Invitae indicates that this missense variant is expected to disrupt ANO5 protein function. ClinVar contains an entry for this variant (Variation ID: 1482640). This variant has not been reported in the literature in individuals affected with ANO5-related conditions. This variant is not present in population databases (gnomAD no frequency). This sequence change replaces valine, which is neutral and non-polar, with phenylalanine, which is neutral and non-polar, at codon 828 of the ANO5 protein (p.Val828Phe).

NM_213599.3(ANO5):c.2482G>T (p.Val828Phe)

Gene: ANO5 (anoctamin 5; plus strand). Cytogenetic location: 11p14.3.
Variant type: single nucleotide variant.
Coding change: c.2482G>T on transcript NM_213599.3 (MANE Select); coding-DNA position 2482, G replaced by T.
Protein change: p.Val828Phe; replaces valine 828 with phenylalanine.
Molecular consequence: missense variant.
Genome position (GRCh38, 1-based): chr11:22,276,161, G>T. VCF-style: chr11-22276161-G-T. GRCh37 (hg19) VCF-style: chr11-22297707-G-T.
Other names: c.2479G>T, p.Val827Phe (NM_001142649.2); short protein forms V828F, V827F.
Identifiers: ClinVar variation 1482640 (VCV001482640.6), dbSNP rs796172838, ClinGen allele CA218777847.